The following is an entry in ClinVar:

ClinVar aggregate classification (germline): Uncertain significance (1 of 4 stars; one submission).

Conditions:
Mowat-Wilson syndrome (MOWS). Also called: Classic Mowat-Wilson Syndrome. Identifiers: Orphanet 2152, MedGen C1856113, MONDO:0009341, OMIM 235730.

Submission:

Labcorp Genetics (formerly Invitae), Labcorp
Classification: Uncertain significance for Mowat-Wilson syndrome. Last evaluated: 2023-03-30. Review status: criteria provided, single submitter. Criteria: Invitae Variant Classification Sherloc (09022015). Collection method: clinical testing. Allele origin: germline.
Comment: This sequence change replaces glutamine, which is neutral and polar, with histidine, which is basic and polar, at codon 1114 of the ZEB2 protein (p.Gln1114His). This variant is not present in population databases (gnomAD no frequency). This variant has not been reported in the literature in individuals affected with ZEB2-related conditions. Advanced modeling of protein sequence and biophysical properties (such as structural, functional, and spatial information, amino acid conservation, physicochemical variation, residue mobility, and thermodynamic stability) performed at Invitae indicates that this missense variant is not expected to disrupt ZEB2 protein function. In summary, the available evidence is currently insufficient to determine the role of this variant in disease. Therefore, it has been classified as a Variant of Uncertain Significance.

NM_014795.4(ZEB2):c.3342G>C (p.Gln1114His)

Gene: ZEB2 (zinc finger E-box binding homeobox 2; minus strand). Cytogenetic location: 2q22.3.
Variant type: single nucleotide variant.
Coding change: c.3342G>C on transcript NM_014795.4 (MANE Select); coding-DNA position 3342, G replaced by C.
Protein change: p.Gln1114His; replaces glutamine 1114 with histidine.
Molecular consequence: missense variant.
Genome position (GRCh38, 1-based): chr2:144,389,754, C>G on the plus strand (G>C on the coding strand, the complement: ZEB2 is on the minus strand). VCF-style: chr2-144389754-C-G. GRCh37 (hg19) VCF-style: chr2-145147321-C-G.
Other names: c.3270G>C, p.Gln1090His (NM_001171653.2); short protein forms Q1114H, Q1090H.
Identifiers: ClinVar variation 2850910 (VCV002850910.3), dbSNP rs1573707880, ClinGen allele CA348699573.